The following is an entry in ClinVar:

ClinVar aggregate classification (germline): Likely benign. Review status: criteria provided, multiple submitters, no conflicts (2 of 4 stars). 2 submissions from 2 submitters: Likely benign (2). Last evaluated 2025-10-16.

Conditions:
Peroxisome biogenesis disorder, complementation group 7 (CG7). Also called: Peroxisome biogenesis disorder, complementation group B. Identifiers: MedGen C1864399.
PEX10-related disorder. Also called: PEX10-related condition.

Allele frequency attached by ClinVar (database versions not stated): TOPMed below 0.00001; gnomAD 0.00001 and 0.00002; 1000 Genomes Project 30x 0.00016.
gnomAD v4.1: 6 of 1,612,708 alleles (0.00037%); highest among the groups gnomAD compares: African/African-American, 0.0053%; no homozygotes.

Submissions (2):

PreventionGenetics, part of Exact Sciences
Classification: Likely benign for PEX10-related condition. Last evaluated: 2025-10-16. Review status: criteria provided, single submitter. Criteria: ACMG Guidelines, 2015. Collection method: clinical testing. Allele origin: germline.
Comment: This variant is classified as likely benign based on ACMG/AMP sequence variant interpretation guidelines (Richards et al. 2015 PMID: 25741868, with internal and published modifications).

Labcorp Genetics (formerly Invitae), Labcorp
Classification: Likely benign for Peroxisome biogenesis disorder, complementation group 7. Last evaluated: 2023-07-22. Review status: criteria provided, single submitter. Criteria: Invitae Variant Classification Sherloc (09022015). Collection method: clinical testing. Allele origin: germline.

NM_002617.4(PEX10):c.372G>A (p.Gly124=)

Gene: PEX10 (peroxisomal biogenesis factor 10; minus strand). Cytogenetic location: 1p36.32.
Variant type: single nucleotide variant.
Coding change: c.372G>A on transcript NM_002617.4 (MANE Select); coding-DNA position 372, G replaced by A.
Protein change: p.Gly124=; no amino-acid change (glycine 124 retained).
Molecular consequence: synonymous variant. On other transcripts: 5 prime UTR variant (2), non-coding transcript variant (1).
Genome position (GRCh38, 1-based): chr1:2,408,680, C>T on the plus strand (G>A on the coding strand, the complement: PEX10 is on the minus strand). VCF-style: chr1-2408680-C-T. GRCh37 (hg19) VCF-style: chr1-2340119-C-T.
Other names: c.372G>A, p.Gly124= (NM_001374425.1, NM_153818.2); c.-61G>A (NM_001374426.1, NM_001374427.1); c.372G>A (NM_153818.1).
Identifiers: ClinVar variation 1129216 (VCV001129216.8), dbSNP rs766506813, ClinGen allele CA538193.